The following is an entry in ClinVar:

NM_000088.4(COL1A1):c.653del (p.Gly218fs)

Gene: COL1A1 (collagen type I alpha 1 chain; minus strand). Cytogenetic location: 17q21.33.
Variant type: Deletion.
Coding change: c.653del on transcript NM_000088.4 (MANE Select); coding-DNA position 653, one base deleted (G; older notation c.653delG).
Protein change: p.Gly218fs; shifts the reading frame from glycine 218.
Molecular consequence: frameshift variant.
Genome position (GRCh38, 1-based): chr17:50,197,775, C deleted on the plus strand (G on the coding strand, the reverse complement: COL1A1 is on the minus strand); the first of 3 consecutive C bases (chr17:50,197,775-50,197,777); deleting any one gives the same sequence. VCF-style (leftmost placement, unchanged base first): chr17-50197774-AC-A. GRCh37 (hg19) VCF-style: chr17-48275135-AC-A.
Other names: short protein forms G218fs.
Identifiers: ClinVar variation 3652702 (VCV003652702.2).

ClinVar aggregate classification (germline): Pathogenic (1 of 4 stars; one submission).

Conditions:
Osteogenesis imperfecta type I (OI1). Also called: Classic Non-deforming Osteogenesis Imperfecta with Blue Sclerae; OI, TYPE I; OSTEOGENESIS IMPERFECTA TARDA; OSTEOGENESIS IMPERFECTA WITH BLUE SCLERAE; Osteogenesis imperfecta type 1; Lobstein's Disease. Identifiers: Orphanet 216796, Orphanet 666, MedGen C0023931, MONDO:0008146, OMIM 166200. Disease mechanism: loss of function.

Submission:

Labcorp Genetics (formerly Invitae), Labcorp
Classification: Pathogenic for Osteogenesis imperfecta type I. Last evaluated: 2024-05-08. Review status: criteria provided, single submitter. Criteria: Invitae Variant Classification Sherloc (09022015). Collection method: clinical testing. Allele origin: germline.
Comment: This sequence change creates a premature translational stop signal (p.Gly218Valfs*47) in the COL1A1 gene. It is expected to result in an absent or disrupted protein product. Loss-of-function variants in COL1A1 are known to be pathogenic (PMID: 7942841, 9295084, 9443882). This variant is not present in population databases (gnomAD no frequency). This variant has not been reported in the literature in individuals affected with COL1A1-related conditions. For these reasons, this variant has been classified as Pathogenic.

Literature cited by the submitters: PubMed 7942841; PubMed 9295084; PubMed 9443882.